The following is an entry in ClinVar:

NM_205836.3(FBXO38):c.707C>T (p.Thr236Ile)

Gene: FBXO38 (F-box protein 38; plus strand). Cytogenetic location: 5q32.
Variant type: single nucleotide variant.
Coding change: c.707C>T on transcript NM_205836.3 (MANE Select); coding-DNA position 707, C replaced by T.
Protein change: p.Thr236Ile; replaces threonine 236 with isoleucine.
Molecular consequence: missense variant.
Genome position (GRCh38, 1-based): chr5:148,404,799, C>T. VCF-style: chr5-148404799-C-T. GRCh37 (hg19) VCF-style: chr5-147784362-C-T.
Other names: c.707C>T, p.Thr236Ile (NM_001271723.2, NM_030793.5); short protein forms T236I.
Identifiers: ClinVar variation 2825068 (VCV002825068.3), dbSNP rs370799682, ClinGen allele CA361656048.
Genomic context (GRCh38, chr5:148,404,799, plus strand): 5'-AGTGGGTAAGACTCACTAAACCACAGCCATTTAAAGACTTCCTTTGTATCAGCTTAAGAA[C>T]TTTCGTCATGAGGAACTGTGCAGGTAATGGTACACAATTATGGTGGAATTAAACATAAGT-3'
Protein context (NP_995308.1, residues 226-246): FKDFLCISLR[Thr236Ile]FVMRNCAGPT

ClinVar aggregate classification (germline): Uncertain significance (1 of 4 stars; one submission).

Conditions:
Distal hereditary motor neuropathy type 2. Identifiers: Orphanet 139525, MedGen C3711384, MeSH C580044, MONDO:0015352.

Submission:

Labcorp Genetics (formerly Invitae), Labcorp
Classification: Uncertain significance for Distal hereditary motor neuropathy type 2. Last evaluated: 2023-09-06. Review status: criteria provided, single submitter. Criteria: Invitae Variant Classification Sherloc (09022015). Collection method: clinical testing. Allele origin: germline.
Comment: In summary, the available evidence is currently insufficient to determine the role of this variant in disease. Therefore, it has been classified as a Variant of Uncertain Significance. Advanced modeling of protein sequence and biophysical properties (such as structural, functional, and spatial information, amino acid conservation, physicochemical variation, residue mobility, and thermodynamic stability) performed at Invitae indicates that this missense variant is expected to disrupt FBXO38 protein function. This missense change has been observed in at least one individual who was not affected with FBXO38-related conditions (Invitae). This variant has not been reported in the literature in individuals affected with FBXO38-related conditions. This variant is not present in population databases (gnomAD no frequency). This sequence change replaces threonine, which is neutral and polar, with isoleucine, which is neutral and non-polar, at codon 236 of the FBXO38 protein (p.Thr236Ile).